The following is an entry in ClinVar:

NM_007294.4(BRCA1):c.2281G>C (p.Glu761Gln)

Gene: BRCA1 (BRCA1 DNA repair associated; minus strand). Cytogenetic location: 17q21.31.
Variant type: single nucleotide variant.
Coding change: c.2281G>C on transcript NM_007294.4 (MANE Select); coding-DNA position 2281, G replaced by C.
Protein change: p.Glu761Gln; replaces glutamic acid 761 with glutamine.
Molecular consequence: missense variant. On other transcripts: intron variant (137).
Genome position (GRCh38, 1-based): chr17:43,093,250, C>G on the plus strand (G>C on the coding strand, the complement: BRCA1 is on the minus strand). VCF-style: chr17-43093250-C-G. GRCh37 (hg19) VCF-style: chr17-41245267-C-G.
Other names: c.2068G>C, p.Glu690Gln (NM_001407571.1, NM_001407915.1, NM_001407916.1 and 9 more transcripts); c.2281G>C, p.Glu761Gln (NM_001407581.1, NM_001407582.1, NM_001407583.1 and 30 more transcripts); c.2278G>C, p.Glu760Gln (NM_001407587.1, NM_001407590.1, NM_001407591.1 and 22 more transcripts); c.2203G>C, p.Glu735Gln (NM_001407654.1, NM_001407655.1, NM_001407656.1 and 4 more transcripts); c.2200G>C, p.Glu734Gln (NM_001407659.1, NM_001407660.1, NM_001407661.1 and 1 more transcripts); c.2155G>C, p.Glu719Gln (NM_001407673.1, NM_001407649.1, NM_001407670.1 and 11 more transcripts); c.2158G>C, p.Glu720Gln (NM_001407674.1, NM_001407675.1, NM_001407676.1 and 19 more transcripts); c.2140G>C, p.Glu714Gln (NM_001407692.1, NM_001407694.1, NM_001407695.1 and 29 more transcripts); and 41 more; short protein forms E761Q, E714Q, E465Q, E633Q, E649Q, E672Q, E693Q, E719Q.
Identifiers: ClinVar variation 185726 (VCV000185726.65), dbSNP rs397507198, ClinGen allele CA001521.
Genomic context (GRCh38, chr17:43,093,250, plus strand): 5'-CCTGAGTGCCATAATCAGTACCAGGTACCAATGAAATACTGCTACTCTCTACAGATCTTT[C>G]AGTTTGCAAAACCCTTTCTCCACTTAACATGAGATCTTTGGGGTCTTCAGCATTATTAGA-3'
Protein context (NP_009225.1, residues 751-771): MLSGERVLQT[Glu761Gln]RSVESSSISL

ClinVar aggregate classification (germline): Conflicting classifications of pathogenicity. Review status: criteria provided, conflicting classifications (1 of 4 stars). 8 submissions from 8 submitters: Uncertain significance (6); Likely benign (1). 1 of the submissions does not count toward it. Last evaluated 2026-03-31.

Conditions:
Hereditary cancer-predisposing syndrome. Also called: Tumor predisposition; Neoplastic Syndromes, Hereditary; Hereditary Cancer Syndrome; Hereditary neoplastic syndrome. Identifiers: Orphanet 140162, MedGen C0027672, MeSH D009386, MONDO:0015356.
Hereditary breast ovarian cancer syndrome. Also called: Hereditary breast and ovarian cancer; Hereditary breast and ovarian cancer syndrome (HBOC); Breast and ovarian cancer; Hereditary breast and/or ovarian cancer syndrome; BRCA1- and BRCA2-Associated Hereditary Breast and Ovarian Cancer; Hereditary breast and ovarian cancer syndrome. Identifiers: Orphanet 145, MedGen C0677776, MeSH D061325, MONDO:0003582. Disease mechanism: loss of function.
Breast-ovarian cancer, familial, susceptibility to, 1 (BROVCA1). Also called: OVARIAN CANCER, SUSCEPTIBILITY TO; BRCA1 Hereditary Breast and Ovarian Cancer. Identifiers: Orphanet 145, MedGen C2676676, MONDO:0011450, OMIM 604370. Disease mechanism: loss of function.

Allele frequency attached by ClinVar (database versions not stated): gnomAD exomes below 0.00001 and 0.00001; ExAC 0.00002.
gnomAD v4.1: 1 of 1,614,086 alleles (0.000062%); highest among the groups gnomAD compares: South Asian, 0.0011%; no homozygotes.

Submissions (8):

Ambry Genetics
Classification: Uncertain significance for Hereditary cancer-predisposing syndrome. Last evaluated: 2026-03-31. Review status: criteria provided, single submitter. Criteria: Ambry Variant Classification Scheme 2023. Collection method: clinical testing. Allele origin: germline.
Comment: The c.2281G>C (p.E761Q) alteration is located in exon 10 (coding exon 9) of the BRCA1 gene. This alteration results from a G to C substitution at nucleotide position 2281, causing the glutamic acid (E) at amino acid position 761 to be replaced by a glutamine (Q). Based on data from gnomAD, the C allele has an overall frequency of 0.001% (2/251170) total alleles studied. The highest observed frequency was 0.003% (1/30606) of South Asian alleles. Based on insufficient or conflicting evidence, the clinical significance of this alteration remains unclear.

Center for Genomic Medicine, Rigshospitalet, Copenhagen University Hospital
Classification: Uncertain significance. Last evaluated: 2025-03-04. Review status: criteria provided, single submitter. Criteria: ACMG Guidelines, 2015. Collection method: clinical testing. Allele origin: germline.

Quest Diagnostics Nichols Institute San Juan Capistrano
Classification: Uncertain significance. Last evaluated: 2024-12-04. Review status: criteria provided, single submitter. Criteria: Quest Diagnostics criteria. Collection method: clinical testing. Allele origin: unknown.
Comment: The BRCA1 c.2281G>C (p.Glu761Gln) variant has been reported in the published literature in multiple individuals with breast and/or ovarian cancer (PMID: 8875986 (1996), 30254663 (2018)). This variant has been seen where an alternate explanation for disease was also identified, suggesting this variant may not cause disease (PMID: 32438681 (2020)). In the published literature, this variant has been reported to be located in a region of the BRCA1 gene that is tolerant to missense sequence changes (PMID: 31911673 (2020)). The frequency of this variant in the general population (Genome Aggregation Database) is uninformative in the assessment of its pathogenicity. Analysis of this variant using bioinformatics tools for the prediction of the effect of amino acid changes on protein structure and function yielded conflicting predictions that this variant is benign or damaging. Based on the available information, we are unable to determine the clinical significance of this variant.

Blueprint Genetics
Classification: Uncertain significance. Last evaluated: 2024-07-10. Review status: criteria provided, single submitter. Criteria: ACMG Guidelines, 2015. Collection method: clinical testing. Allele origin: germline.

Labcorp Genetics (formerly Invitae), Labcorp
Classification: Uncertain significance for Hereditary breast ovarian cancer syndrome. Last evaluated: 2024-05-22. Review status: criteria provided, single submitter. Criteria: Invitae Variant Classification Sherloc (09022015). Collection method: clinical testing. Allele origin: germline.
Comment: This sequence change replaces glutamic acid, which is acidic and polar, with glutamine, which is neutral and polar, at codon 761 of the BRCA1 protein (p.Glu761Gln). This variant is present in population databases (rs397507198, gnomAD 0.003%). This missense change has been observed in individual(s) with a personal and/or family history of breast and/or ovarian cancer (PMID: 8875986, 30254663, 32438681). ClinVar contains an entry for this variant (Variation ID: 185726). Advanced modeling of protein sequence and biophysical properties (such as structural, functional, and spatial information, amino acid conservation, physicochemical variation, residue mobility, and thermodynamic stability) performed at Invitae indicates that this missense variant is not expected to disrupt BRCA1 protein function with a negative predictive value of 95%. In summary, the available evidence is currently insufficient to determine the role of this variant in disease. Therefore, it has been classified as a Variant of Uncertain Significance.

University of Washington Department of Laboratory Medicine, University of Washington
Classification: Likely benign for Hereditary cancer-predisposing syndrome. Last evaluated: 2023-03-23. Review status: criteria provided, single submitter. Criteria: Dines et al. (Genet Med. 2020). Collection method: curation. Allele origin: germline.
Comment: Missense variant in a coldspot region where missense variants are very unlikely to be pathogenic (PMID:31911673).

BRCA1 coldspot (exon 11 using historical exon numbering). Reclassification based on statistical prior probability

CeGaT Center for Human Genetics Tuebingen
Classification: Uncertain significance. Last evaluated: 2021-12-01. Review status: criteria provided, single submitter. Criteria: CeGaT Center For Human Genetics Tuebingen Variant Classification Criteria Version 2. Collection method: clinical testing. Allele origin: germline. Affected: yes. Observed: 1 variant allele.

Department of Medical and Surgical Sciences, University of Bologna
Classification: Likely benign for Breast-ovarian cancer, familial, susceptibility to, 1. Last evaluated: 2023-09-01. Review status: no assertion criteria provided. Collection method: clinical testing. Allele origin: germline. Affected: yes. Not counted in ClinVar's aggregate classification.
Comment: PM2(Supporting)+BP1(Strong)+BP5(Moderate) according to ACMG/AMP classification guidelines specified for BRCA1 & BRCA2 (Classification Criteria V1.0.0 2023-09-08) (PMID: 38160042)

Literature cited by the submitters: PubMed 30254663 (cited by 3 submitters); PubMed 32438681 (cited by Quest Diagnostics Nichols Institute San Juan Capistrano and Labcorp Genetics (formerly Invitae), Labcorp); PubMed 31911673 (cited by Quest Diagnostics Nichols Institute San Juan Capistrano); PubMed 8875986 (cited by Quest Diagnostics Nichols Institute San Juan Capistrano and Labcorp Genetics (formerly Invitae), Labcorp); PubMed 31853058 (cited by Quest Diagnostics Nichols Institute San Juan Capistrano).